The following is an entry in ClinVar:

NM_000091.5(COL4A3):c.967_968dup (p.Met323fs)

Genes: COL4A3 (collagen type IV alpha 3 chain; plus strand), MFF-DT (MFF divergent transcript; minus strand). Cytogenetic location: 2q36.3.
Variant type: Duplication.
Coding change: c.967_968dup on transcript NM_000091.5 (MANE Select); coding-DNA positions 967 to 968, 2 bases duplicated (AT; older notation c.967_968dupAT).
Protein change: p.Met323fs; shifts the reading frame from methionine 323.
Molecular consequence: frameshift variant.
Genome position (GRCh38, 1-based): chr2:227,256,376-227,256,377, AT duplicated. VCF-style (leftmost placement, unchanged base first): chr2-227256375-A-AAT. GRCh37 (hg19) VCF-style: chr2-228121091-A-AAT.
Other names: short protein forms M323fs.
Identifiers: ClinVar variation 1391411 (VCV001391411.6), dbSNP rs2125941952, ClinGen allele CA2573135464.

ClinVar aggregate classification (germline): Pathogenic (1 of 4 stars; one submission).

Submission:

Labcorp Genetics (formerly Invitae), Labcorp
Classification: Pathogenic. Last evaluated: 2021-08-31. Review status: criteria provided, single submitter. Criteria: Invitae Variant Classification Sherloc (09022015). Collection method: clinical testing. Allele origin: germline.
Comment: This sequence change creates a premature translational stop signal (p.Met323Ilefs*78) in the COL4A3 gene. It is expected to result in an absent or disrupted protein product. Loss-of-function variants in COL4A3 are known to be pathogenic (PMID: 8956999, 24854265, 26809805, 27281700). This variant is not present in population databases (ExAC no frequency). This variant has not been reported in the literature in individuals affected with COL4A3-related conditions. For these reasons, this variant has been classified as Pathogenic.

Literature cited by the submitters: PubMed 8956999; PubMed 24854265; PubMed 26809805; PubMed 27281700.